The following is an entry in ClinVar:

NM_001256789.3(CACNA1F):c.4821+10G>A

Genes: CACNA1F (calcium voltage-gated channel subunit alpha1 F; minus strand), LOC126863257 (BRD4-independent group 4 enhancer GRCh37_chrX:49065732-49066931; plus strand). Cytogenetic location: Xp11.23.
Variant type: single nucleotide variant.
Coding change: c.4821+10G>A on transcript NM_001256789.3 (MANE Select); 10 bases into the intron after coding-DNA position 4821, G replaced by A.
Molecular consequence: intron variant.
Genome position (GRCh38, 1-based): chrX:49,209,619, C>T on the plus strand (G>A on the coding strand, the complement: CACNA1F is on the minus strand). VCF-style: chrX-49209619-C-T. GRCh37 (hg19) VCF-style: chrX-49066079-C-T.
Other names: c.4854+10G>A (NM_005183.4, NM_005183.3); c.4659+10G>A (NM_001256790.3).
Identifiers: ClinVar variation 1609295 (VCV001609295.10), dbSNP rs373885224, ClinGen allele CA10410111.

ClinVar aggregate classification (germline): Likely benign. Review status: criteria provided, single submitter (1 of 4 stars). 2 submissions from 2 submitters: Likely benign (1). 1 of the submissions does not count toward it. Last evaluated 2025-04-17.

Conditions:
CACNA1F-related disorder. Also called: CACNA1F-related condition.

Allele frequency attached by ClinVar (database versions not stated): gnomAD exomes 0.00002 and 0.00006; TOPMed 0.00006; ExAC 0.00007; gnomAD 0.00007 and 0.00008; ESP Exome Variant Server 0.00009.
gnomAD v4.1: 36 of 1,209,632 alleles (0.003%); highest among the groups gnomAD compares: Non-Finnish European, 0.00034%; no homozygotes.

Submissions (2):

Labcorp Genetics (formerly Invitae), Labcorp
Classification: Likely benign. Last evaluated: 2025-04-17. Review status: criteria provided, single submitter. Criteria: Invitae Variant Classification Sherloc (09022015). Collection method: clinical testing. Allele origin: germline.

PreventionGenetics, part of Exact Sciences
Classification: Likely benign for CACNA1F-related condition. Last evaluated: 2019-03-06. Review status: no assertion criteria provided. Collection method: clinical testing. Allele origin: germline. Not counted in ClinVar's aggregate classification.
Comment: This variant is classified as likely benign based on ACMG/AMP sequence variant interpretation guidelines (Richards et al. 2015 PMID: 25741868, with internal and published modifications).